The following is an entry in ClinVar:

ClinVar aggregate classification (germline): Uncertain significance (1 of 4 stars; one submission).

Conditions:
Hypertrophic cardiomyopathy 26. Also called: Cardiomyopathy, familial hypertrophic, 26. Identifiers: Orphanet 75249, MedGen C4310749, MONDO:0014883, OMIM 617047.
Myofibrillar myopathy 5. Also called: Filaminopathy (type); FILAMINOPATHY, AUTOSOMAL DOMINANT. Identifiers: Orphanet 171445, MedGen C1836050, MONDO:0012289, OMIM 609524.
Distal myopathy with posterior leg and anterior hand involvement. Also called: WILLIAMS DISTAL MYOPATHY. Identifiers: Orphanet 63273, MedGen C3279722, MONDO:0013550, OMIM 614065.

Submission:

Labcorp Genetics (formerly Invitae), Labcorp
Classification: Uncertain significance for Distal myopathy with posterior leg and anterior hand involvement; Myofibrillar myopathy 5; Hypertrophic cardiomyopathy 26. Last evaluated: 2025-10-21. Review status: criteria provided, single submitter. Criteria: Invitae Variant Classification Sherloc (09022015). Collection method: clinical testing. Allele origin: germline.
Comment: This sequence change replaces glycine, which is neutral and non-polar, with aspartic acid, which is acidic and polar, at codon 1044 of the FLNC protein (p.Gly1044Asp). This variant is not present in population databases (gnomAD no frequency). This variant has not been reported in the literature in individuals affected with FLNC-related conditions. Invitae Evidence Modeling of protein sequence and biophysical properties (such as structural, functional, and spatial information, amino acid conservation, physicochemical variation, residue mobility, and thermodynamic stability) has been performed for this missense variant. However, the output from this modeling did not meet the statistical confidence thresholds required to predict the impact of this variant on FLNC protein function. In summary, the available evidence is currently insufficient to determine the role of this variant in disease. Therefore, it has been classified as a Variant of Uncertain Significance.

NM_001458.5(FLNC):c.3131G>A (p.Gly1044Asp)

Gene: FLNC (filamin C; plus strand). Cytogenetic location: 7q32.1.
Variant type: single nucleotide variant.
Coding change: c.3131G>A on transcript NM_001458.5 (MANE Select); coding-DNA position 3131, G replaced by A.
Protein change: p.Gly1044Asp; replaces glycine 1044 with aspartic acid.
Molecular consequence: missense variant.
Genome position (GRCh38, 1-based): chr7:128,844,205, G>A. VCF-style: chr7-128844205-G-A. GRCh37 (hg19) VCF-style: chr7-128484259-G-A.
Other names: c.3131G>A, p.Gly1044Asp (NM_001127487.2); short protein forms G1044D.
Identifiers: ClinVar variation 4812615 (VCV004812615.1).